The following is an entry in ClinVar:

NM_005159.5(ACTC1):c.270C>T (p.His90=)

Genes: ACTC1 (actin alpha cardiac muscle 1; minus strand), GJD2-DT (GJD2 divergent transcript; plus strand). Cytogenetic location: 15q14.
Variant type: single nucleotide variant.
Coding change: c.270C>T on transcript NM_005159.5 (MANE Select); coding-DNA position 270, C replaced by T.
Protein change: p.His90=; no amino-acid change (histidine 90 retained).
Molecular consequence: synonymous variant.
Genome position (GRCh38, 1-based): chr15:34,793,429, G>A on the plus strand (C>T on the coding strand, the complement: ACTC1 is on the minus strand). VCF-style: chr15-34793429-G-A. GRCh37 (hg19) VCF-style: chr15-35085630-G-A.
Other names: p.H90H:CAC>CAT; c.270C>T (LRG_388t1).
Identifiers: ClinVar variation 136280 (VCV000136280.23), dbSNP rs138812333, ClinGen allele CA019716.

ClinVar aggregate classification (germline): Conflicting classifications of pathogenicity. Review status: criteria provided, conflicting classifications (1 of 4 stars). 10 submissions from 9 submitters: Uncertain significance (2); Benign (1); Likely benign (7). Last evaluated 2026-01-26.

Conditions:
Cardiovascular phenotype. Identifiers: MedGen CN230736.
Hypertrophic cardiomyopathy 11. Also called: ACTC1-Related Familial Hypertrophic Cardiomyopathy. Identifiers: MedGen C2677506, MONDO:0012799, OMIM 612098.
Dilated cardiomyopathy 1R (CMD1R). Identifiers: Orphanet 154, Orphanet 54260, MedGen C3150681, MONDO:0013261, OMIM 613424.
Atrial septal defect 5 (ASD5). Identifiers: Orphanet 1478, MedGen C2748552, MONDO:0013011, OMIM 612794.
Cardiomyopathy (CMYO). Also called: Cardiomyopathies. Identifiers: Orphanet 167848, MedGen C0878544, MONDO:0004994, HP:0001638. Inheritance: Various modes of inheritance.
Hypertrophic cardiomyopathy. Also called: HYPERTROPHIC MYOCARDIOPATHY. Identifiers: Orphanet 217569, MedGen C0007194, MeSH D002312, MONDO:0005045, HP:0001639.

Allele frequency attached by ClinVar (database versions not stated): ExAC 0.00002; gnomAD 0.00003; gnomAD exomes 0.00003; TOPMed 0.00005; ESP Exome Variant Server 0.00008.
gnomAD v4.1: 48 of 1,614,190 alleles (0.003%); highest among the groups gnomAD compares: Middle Eastern, 0.016%; no homozygotes.

Submissions (10):

Labcorp Genetics (formerly Invitae), Labcorp
Classification: Likely benign for Dilated cardiomyopathy 1R; Hypertrophic cardiomyopathy 11; Atrial septal defect 5. Last evaluated: 2026-01-26. Review status: criteria provided, single submitter. Criteria: Invitae Variant Classification Sherloc (09022015). Collection method: clinical testing. Allele origin: germline.

Molecular Diagnostic Laboratory for Inherited Cardiovascular Disease, Montreal Heart Institute
Classification: Likely benign. Last evaluated: 2025-04-09. Review status: criteria provided, single submitter. Criteria: ACMG Guidelines, 2015. Collection method: clinical testing. Allele origin: germline. Affected: no.

All of Us Research Program, National Institutes of Health
Classification: Likely benign for Hypertrophic cardiomyopathy. Last evaluated: 2023-12-18. Review status: criteria provided, single submitter. Criteria: ACMG Guidelines, 2015. Collection method: clinical testing. Allele origin: germline. Inheritance: Autosomal dominant inheritance. Observed: 12 variant alleles, 12 heterozygotes.
Comment: This study involves interpretation of variants in research participants for the purpose of population health screening. Participant phenotype was not available at the time of variant classification. Additional details can be found in publication PMID: 35346344, PMCID: PMC8962531

CHEO Genetics Diagnostic Laboratory, Children's Hospital of Eastern Ontario
Classification: Likely benign for Cardiomyopathy. Last evaluated: 2023-01-23. Review status: criteria provided, single submitter. Criteria: ACMG Guidelines, 2015. Collection method: clinical testing. Allele origin: germline.

Blueprint Genetics
Classification: Likely benign. Last evaluated: 2022-03-04. Review status: criteria provided, single submitter. Criteria: ACMG Guidelines, 2015. Collection method: clinical testing. Allele origin: germline.

Ambry Genetics
Classification: Likely benign for Cardiovascular phenotype. Last evaluated: 2021-05-10. Review status: criteria provided, single submitter. Criteria: Ambry Variant Classification Scheme 2023. Collection method: clinical testing. Allele origin: germline.

Color Diagnostics, LLC DBA Color Health
Classification: Likely benign for Cardiomyopathy. Last evaluated: 2018-11-30. Review status: criteria provided, single submitter. Criteria: ACMG Guidelines, 2015. Collection method: clinical testing. Allele origin: germline.

Illumina Laboratory Services, Illumina
Classification: Uncertain significance for Hypertrophic cardiomyopathy 11. Last evaluated: 2018-03-30. Review status: criteria provided, single submitter. Criteria: ICSL Variant Classification Criteria 13 December 2019. Collection method: clinical testing. Allele origin: germline.

Illumina Laboratory Services, Illumina
Classification: Uncertain significance for Dilated cardiomyopathy 1R. Last evaluated: 2018-03-30. Review status: criteria provided, single submitter. Criteria: ICSL Variant Classification Criteria 13 December 2019. Collection method: clinical testing. Allele origin: germline.

GeneDx
Classification: Benign. Last evaluated: 2014-03-16. Review status: criteria provided, single submitter. Criteria: GeneDx Variant Classification (06012015). Collection method: clinical testing. Allele origin: germline. Affected: yes.
Comment: This variant is considered likely benign or benign based on one or more of the following criteria: it is a conservative change, it occurs at a poorly conserved position in the protein, it is predicted to be benign by multiple in silico algorithms, and/or has population frequency not consistent with disease.